The following is an entry in ClinVar:

NM_025215.6(PUS1):c.853A>T (p.Lys285Ter)

Gene: PUS1 (pseudouridine synthase 1; plus strand). Cytogenetic location: 12q24.33.
Variant type: single nucleotide variant.
Coding change: c.853A>T on transcript NM_025215.6 (MANE Select); coding-DNA position 853, A replaced by T.
Protein change: p.Lys285Ter; replaces lysine 285 with a stop codon.
Molecular consequence: nonsense.
Genome position (GRCh38, 1-based): chr12:131,941,600, A>T. VCF-style: chr12-131941600-A-T. GRCh37 (hg19) VCF-style: chr12-132426145-A-T.
Other names: c.769A>T, p.Lys257Ter (NM_001002019.3, NM_001002020.3); short protein forms K257*, K285*.
Identifiers: ClinVar variation 4816257 (VCV004816257.1).

ClinVar aggregate classification (germline): Likely pathogenic (1 of 4 stars; one submission).

Conditions:
Myopathy, lactic acidosis, and sideroblastic anemia. Also called: Mitochondrial myopathy and sideroblastic anemia; Myopathy with lactic acidosis and sideroblastic anemia. Identifiers: Orphanet 2598, MedGen C1838103, MONDO:0000863.

Submission:

Natera, Inc.
Classification: Likely pathogenic for Mitochondrial myopathy and sideroblastic anemia. Last evaluated: 2024-04-19. Review status: criteria provided, single submitter. Criteria: Natera Variant Classification Schema (03/2026). Collection method: clinical testing. Allele origin: germline.
Comment: The c.853A>T variant in PUS1 is a nonsense variant predicted to introduce a stop codon at amino acid 285. This variant is expected to result in nonsense mediated decay, truncation, or a dysfunctional protein product. This variant is rare in the general population with a frequency below the threshold expected for the associated phenotype(s). Given the available evidence, this variant is classified as Likely Pathogenic.